The following is an entry in ClinVar:

ClinVar aggregate classification (germline): Uncertain significance (1 of 4 stars; one submission).

Conditions:
Congenital disorder of glycosylation type 1E (CDG1E). Also called: CONGENITAL DISORDER OF GLYCOSYLATION, TYPE Ie; CDG Ie. Identifiers: Orphanet 79322, MedGen C1837396, MONDO:0012123, OMIM 608799.

Submission:

Labcorp Genetics (formerly Invitae), Labcorp
Classification: Uncertain significance for Congenital disorder of glycosylation type 1E. Last evaluated: 2022-01-03. Review status: criteria provided, single submitter. Criteria: Invitae Variant Classification Sherloc (09022015). Collection method: clinical testing. Allele origin: germline.
Comment: In summary, the available evidence is currently insufficient to determine the role of this variant in disease. Therefore, it has been classified as a Variant of Uncertain Significance. Algorithms developed to predict the effect of missense changes on protein structure and function (SIFT, PolyPhen-2, Align-GVGD) all suggest that this variant is likely to be tolerated. This variant has not been reported in the literature in individuals affected with DPM1-related conditions. This variant is not present in population databases (gnomAD no frequency). This sequence change replaces lysine, which is basic and polar, with glutamic acid, which is acidic and polar, at codon 136 of the DPM1 protein (p.Lys136Glu).

NM_003859.3(DPM1):c.406A>G (p.Lys136Glu)

Genes: DPM1 (dolichyl-phosphate mannosyltransferase subunit 1, catalytic; minus strand), ADNP-AS1 (ADNP antisense RNA 1; plus strand). Cytogenetic location: 20q13.13.
Variant type: single nucleotide variant.
Coding change: c.406A>G on transcript NM_003859.3 (MANE Select); coding-DNA position 406, A replaced by G.
Protein change: p.Lys136Glu; replaces lysine 136 with glutamic acid.
Molecular consequence: missense variant. On other transcripts: non-coding transcript variant (1).
Genome position (GRCh38, 1-based): chr20:50,942,119, T>C on the plus strand (A>G on the coding strand, the complement: DPM1 is on the minus strand). VCF-style: chr20-50942119-T-C. GRCh37 (hg19) VCF-style: chr20-49558656-T-C.
Other names: c.406A>G, p.Lys136Glu (NM_001317034.1, NM_001317035.1, NM_001317036.1); short protein forms K136E.
Identifiers: ClinVar variation 2073143 (VCV002073143.4), dbSNP rs2515714861, ClinGen allele CA408989450.